The following is an entry in ClinVar:

NM_005633.4(SOS1):c.3092A>G (p.Tyr1031Cys)

Gene: SOS1 (SOS Ras/Rac guanine nucleotide exchange factor 1; minus strand). Cytogenetic location: 2p22.1.
Variant type: single nucleotide variant.
Coding change: c.3092A>G on transcript NM_005633.4 (MANE Select); coding-DNA position 3092, A replaced by G.
Protein change: p.Tyr1031Cys; replaces tyrosine 1031 with cysteine.
Molecular consequence: missense variant.
Genome position (GRCh38, 1-based): chr2:38,995,377, T>C on the plus strand (A>G on the coding strand, the complement: SOS1 is on the minus strand). VCF-style: chr2-38995377-T-C. GRCh37 (hg19) VCF-style: chr2-39222518-T-C.
Other names: c.3071A>G, p.Tyr1024Cys (NM_001382394.1); c.3092A>G, p.Tyr1031Cys (NM_001382395.1); short protein forms Y1031C, Y1024C.
Identifiers: ClinVar variation 1030000 (VCV001030000.1), dbSNP rs1668861106, ClinGen allele CA346361249.

ClinVar aggregate classification (germline): Uncertain significance (1 of 4 stars; one submission).

Conditions:
Noonan syndrome 4 (NS4). Also called: SOS1-Related Noonan Syndrome; NOONAN SYNDROME WITH PIGMENTED VILLONODULAR SYNOVITIS. Identifiers: Orphanet 648, MedGen C1853120, MONDO:0012547, OMIM 610733.

Allele frequency attached by ClinVar (database versions not stated): gnomAD exomes below 0.00001.
gnomAD v4.1: 1 of 1,613,292 alleles (0.000062%); highest among the groups gnomAD compares: Non-Finnish European, 0.000085%; no homozygotes.

Submission:

Baylor Genetics
Classification: Uncertain significance for Noonan syndrome 4. Last evaluated: 2019-12-19. Review status: criteria provided, single submitter. Criteria: ACMG Guidelines, 2015. Collection method: clinical testing. Allele origin: unknown. Affected: yes.
Comment: This variant was determined to be of uncertain significance according to ACMG Guidelines, 2015 [PMID:25741868].